The following is an entry in ClinVar:

NM_000245.4(MET):c.3520C>T (p.His1174Tyr)

Gene: MET (MET proto-oncogene, receptor tyrosine kinase; plus strand). Cytogenetic location: 7q31.2.
Variant type: single nucleotide variant.
Coding change: c.3520C>T on transcript NM_000245.4 (MANE Select); coding-DNA position 3520, C replaced by T.
Protein change: p.His1174Tyr; replaces histidine 1174 with tyrosine.
Molecular consequence: missense variant.
Genome position (GRCh38, 1-based): chr7:116,778,955, C>T. VCF-style: chr7-116778955-C-T. GRCh37 (hg19) VCF-style: chr7-116419009-C-T.
Other names: c.3574C>T, p.His1192Tyr (NM_001127500.3); c.2230C>T, p.His744Tyr (NM_001324402.2); short protein forms H1174Y, H744Y, H1192Y.
Identifiers: ClinVar variation 1036576 (VCV001036576.7), dbSNP rs1795074297, ClinGen allele CA368990393.

ClinVar aggregate classification (germline): Uncertain significance. Review status: criteria provided, multiple submitters, no conflicts (2 of 4 stars). 2 submissions from 2 submitters: Uncertain significance (2). Last evaluated 2025-02-01.

Conditions:
Autosomal recessive nonsyndromic hearing loss 97. Also called: Deafness, autosomal recessive 97. Identifiers: Orphanet 90636, MedGen C4084709, MONDO:0014739, OMIM 616705.
Renal cell carcinoma. Identifiers: Orphanet 217071, MedGen C0007134, MeSH D002292, MONDO:0005086, HP:0005584.

Allele frequency attached by ClinVar (database versions not stated): TOPMed below 0.00001.

Submissions (2):

Labcorp Genetics (formerly Invitae), Labcorp
Classification: Uncertain significance for Renal cell carcinoma. Last evaluated: 2025-02-01. Review status: criteria provided, single submitter. Criteria: Invitae Variant Classification Sherloc (09022015). Collection method: clinical testing. Allele origin: germline.
Comment: This sequence change replaces histidine, which is basic and polar, with tyrosine, which is neutral and polar, at codon 1192 of the MET protein (p.His1192Tyr). This variant is not present in population databases (gnomAD no frequency). This variant has not been reported in the literature in individuals affected with MET-related conditions. ClinVar contains an entry for this variant (Variation ID: 1036576). An algorithm developed to predict the effect of missense changes on protein structure and function (PolyPhen-2) suggests that this variant is likely to be disruptive. In summary, the available evidence is currently insufficient to determine the role of this variant in disease. Therefore, it has been classified as a Variant of Uncertain Significance.

Baylor Genetics
Classification: Uncertain significance for Autosomal recessive nonsyndromic hearing loss 97. Last evaluated: 2023-06-22. Review status: criteria provided, single submitter. Criteria: ACMG Guidelines, 2015. Collection method: clinical testing. Allele origin: unknown.